The following is an entry in ClinVar:

NM_000459.5(TEK):c.2287C>A (p.Leu763Met)

Gene: TEK (TEK receptor tyrosine kinase; plus strand). Cytogenetic location: 9p21.2.
Variant type: single nucleotide variant.
Coding change: c.2287C>A on transcript NM_000459.5 (MANE Select); coding-DNA position 2287, C replaced by A.
Protein change: p.Leu763Met; replaces leucine 763 with methionine.
Molecular consequence: missense variant.
Genome position (GRCh38, 1-based): chr9:27,204,988, C>A. VCF-style: chr9-27204988-C-A. GRCh37 (hg19) VCF-style: chr9-27204986-C-A.
Other names: c.2158C>A, p.Leu720Met (NM_001290077.2, NM_001375476.1); c.1846C>A, p.Leu616Met (NM_001290078.2); c.2287C>A, p.Leu763Met (NM_001375475.1); short protein forms L616M, L720M, L763M.
Identifiers: ClinVar variation 3600421 (VCV003600421.1).
Genomic context (GRCh38, chr9:27,204,988, plus strand): 5'-GGGGGGAAGATGCTGCTTATAGCCATCCTTGGCTCTGCTGGAATGACCTGCCTGACTGTG[C>A]TGTTGGCCTTTCTGATCATATTGCAATTGAAGAGGGCAAATGTGCAAAGGAGAATGGCCC-3'
Protein context (NP_000450.3, residues 753-773): GSAGMTCLTV[Leu763Met]LAFLIILQLK

ClinVar aggregate classification (germline): Uncertain significance (1 of 4 stars; one submission).

Conditions:
Multiple cutaneous and mucosal venous malformations (VMCM). Also called: TEK-Related Multiple Cutaneous and Mucosal Venous Malformations (VMCM). Identifiers: Orphanet 2451, MedGen C1838437, MONDO:0010842, OMIM 600195.

gnomAD v4.1: 23 of 1,613,946 alleles (0.0014%); highest among the groups gnomAD compares: Middle Eastern, 0.033%; no homozygotes.

Submission:

Clinical Genomics Laboratory, Washington University in St. Louis
Classification: Uncertain significance for Multiple cutaneous and mucosal venous malformations. Last evaluated: 2024-07-03. Review status: criteria provided, single submitter. Criteria: ACMG Guidelines, 2015. Collection method: clinical testing. Allele origin: germline.
Comment: The TEK c.2287C>A (p.Leu763Met) variant was identified at a near heterozygous allelic fraction of 48.6%, a frequency which may be consistent with germline origin. This variant, to our knowledge, has not been reported in the medical literature and is only observed on 23/1,613,946 alleles in the general population (gnomAD v4.1.0). Computational predictors are uncertain as to the impact of this variant on TIE2 function. Due to limited information, and based on ACMG/AMP guidelines for variant interpretation (Richards S et al., PMID: 25741868), the clinical significance of the TEK c.2287C>A (p.Leu763Met) variant is uncertain at this time.